The following is an entry in ClinVar:

ClinVar aggregate classification (germline): Uncertain significance (1 of 4 stars; one submission).

Conditions:
PURA-related severe neonatal hypotonia-seizures-encephalopathy syndrome (NEDRIHF). Also called: PURA-Related Neurodevelopmental Disorders; NEURODEVELOPMENTAL DISORDER WITH NEONATAL RESPIRATORY INSUFFICIENCY, HYPOTONIA, AND FEEDING DIFFICULTIES. Identifiers: Orphanet 438213, Orphanet 438216, MedGen C4015357, MONDO:1060108, OMIM 616158, MONDO:0018580.

gnomAD v4.1: 1 of 1,614,088 alleles (0.000062%); highest among the groups gnomAD compares: South Asian, 0.0011%; no homozygotes.

Submission:

Labcorp Genetics (formerly Invitae), Labcorp
Classification: Uncertain significance for PURA-related severe neonatal hypotonia-seizures-encephalopathy syndrome. Last evaluated: 2025-03-30. Review status: criteria provided, single submitter. Criteria: Invitae Variant Classification Sherloc (09022015). Collection method: clinical testing. Allele origin: germline.
Comment: This sequence change affects codon 286 of the PURA mRNA. It is a 'silent' change, meaning that it does not change the encoded amino acid sequence of the PURA protein. This variant is present in population databases (no rsID available, gnomAD 0.003%). This variant has not been reported in the literature in individuals affected with PURA-related conditions. In summary, the available evidence is currently insufficient to determine the role of this variant in disease. Therefore, it has been classified as a Variant of Uncertain Significance.

NM_005859.5(PURA):c.858G>A (p.Arg286=)

Gene: PURA (purine rich element binding protein A; plus strand). Cytogenetic location: 5q31.3.
Variant type: single nucleotide variant.
Coding change: c.858G>A on transcript NM_005859.5 (MANE Select); coding-DNA position 858, G replaced by A.
Protein change: p.Arg286=; no amino-acid change (arginine 286 retained).
Molecular consequence: synonymous variant.
Genome position (GRCh38, 1-based): chr5:140,115,039, G>A. VCF-style: chr5-140115039-G-A. GRCh37 (hg19) VCF-style: chr5-139494624-G-A.
Identifiers: ClinVar variation 4716279 (VCV004716279.1).
Genomic context (GRCh38, chr5:140,115,039, plus strand): 5'-GTTCGGACACACCTTCTGCAAGTACTCGGAGGAGATGAAGAAGATTCAAGAGAAGCAGAG[G>A]GAGAAGCGGGCTGCCTGTGAGCAGCTTCACCAGCAGCAACAGCAGCAGCAGGAGGAGACC-3'
Protein context (NP_005850.1, residues 276-296): EEMKKIQEKQ[Arg286=]EKRAACEQLH